The following is an entry in ClinVar:

NM_001256012.3(MYH10):c.4458+8G>A

Gene: MYH10 (myosin heavy chain 10; minus strand). Cytogenetic location: 17p13.1.
Variant type: single nucleotide variant.
Coding change: c.4458+8G>A on transcript NM_001256012.3 (MANE Select); 8 bases into the intron after coding-DNA position 4458, G replaced by A.
Molecular consequence: intron variant.
Genome position (GRCh38, 1-based): chr17:8,492,768, C>T on the plus strand (G>A on the coding strand, the complement: MYH10 is on the minus strand). VCF-style: chr17-8492768-C-T. GRCh37 (hg19) VCF-style: chr17-8396086-C-T.
Other names: c.4395+8G>A (NM_001375266.1); c.4365+8G>A (NM_005964.5); c.4392+8G>A (NM_001256095.2).
Identifiers: ClinVar variation 4993853 (VCV004993853.1).

ClinVar aggregate classification (germline): Likely benign (1 of 4 stars; one submission).

Conditions:
MYH10-related disorder. Also called: MYH10-related condition.

gnomAD v4.1: 24 of 1,612,238 alleles (0.0015%); highest among the groups gnomAD compares: East Asian, 0.0089%; no homozygotes.

Submission:

PreventionGenetics, part of Exact Sciences
Classification: Likely benign for MYH10-related condition. Last evaluated: 2026-04-29. Review status: criteria provided, single submitter. Criteria: ACMG Guidelines, 2015. Collection method: clinical testing. Allele origin: germline.
Comment: This variant is classified as likely benign based on ACMG/AMP sequence variant interpretation guidelines (Richards et al. 2015 PMID: 25741868, with internal and published modifications).